The following is an entry in ClinVar:

ClinVar aggregate classification (germline): Benign. Review status: criteria provided, multiple submitters, no conflicts (2 of 4 stars). 2 submissions from 2 submitters: Benign (2). Last evaluated 2018-01-13.

Conditions:
Isovaleryl-CoA dehydrogenase deficiency (IVA). Also called: ISOVALERIC ACID CoA DEHYDROGENASE DEFICIENCY; IVD DEFICIENCY; Isovaleric acidemia; Classic Isovaleric Acidemia. Identifiers: Orphanet 33, MedGen C0268575, MONDO:0009475, OMIM 243500.

Allele frequency attached by ClinVar (database versions not stated): TOPMed 0.45018; gnomAD 0.45103; 1000 Genomes Project 30x 0.49407; 1000 Genomes Project 0.50739.

Submissions (2):

Illumina Laboratory Services, Illumina
Classification: Benign for Isovaleryl-CoA dehydrogenase deficiency. Last evaluated: 2018-01-13. Review status: criteria provided, single submitter. Criteria: ICSL Variant Classification Criteria 13 December 2019. Collection method: clinical testing. Allele origin: germline.
Comment: This variant was observed in the ICSL laboratory as part of a predisposition screen in an ostensibly healthy population. It had not been previously curated by ICSL or reported in the Human Gene Mutation Database (HGMD: prior to June 1st, 2018), and was therefore a candidate for classification through an automated scoring system. Utilizing variant allele frequency, disease prevalence and penetrance estimates, and inheritance mode, an automated score was calculated to assess if this variant is too frequent to cause the disease. Based on the score and internal cut-off values, a variant classified as benign is not then subjected to further curation. The score for this variant resulted in a classification of benign for this disease.

Breakthrough Genomics
Classification: Benign. Review status: criteria provided, single submitter. Criteria: ACMG Guidelines, 2015. Collection method: not provided. Allele origin: germline. Inheritance: Autosomal recessive inheritance. Affected: yes.

NM_002225.5(IVD):c.*808C>G

Gene: IVD (isovaleryl-CoA dehydrogenase; plus strand). Cytogenetic location: 15q15.1.
Variant type: single nucleotide variant.
Coding change: c.*808C>G on transcript NM_002225.5 (MANE Select); 808 bases downstream of the stop codon, C replaced by G.
Molecular consequence: 3 prime UTR variant. On other transcripts: intron variant (3).
Genome position (GRCh38, 1-based): chr15:40,419,071, C>G. VCF-style: chr15-40419071-C-G. GRCh37 (hg19) VCF-style: chr15-40711270-C-G.
Other names: c.*808C>G (NM_001159508.3, NM_001354597.3, NM_001354599.3); c.1225+2709C>G (NM_001354600.3); c.1138+2709C>G (NM_001354598.3, NM_001354601.3).
Identifiers: ClinVar variation 315815 (VCV000315815.6), dbSNP rs2075625, ClinGen allele CA10635944.